The following is an entry in ClinVar:

ClinVar aggregate classification (germline): Likely pathogenic (1 of 4 stars; one submission).

Conditions:
Autosomal recessive nonsyndromic hearing loss 84B. Also called: Deafness, autosomal recessive 84b. Identifiers: Orphanet 90636, MedGen C3554159, MONDO:0013984, OMIM 614944.

Submission:

Juno Genomics, Hangzhou Juno Genomics, Inc
Classification: Likely pathogenic for Autosomal recessive nonsyndromic hearing loss 84B. Review status: criteria provided, single submitter. Criteria: ACMG Guidelines, 2015. Collection method: clinical testing. Allele origin: germline.
Comment: Absent from controls (or at extremely low frequency if recessive) in Genome Aggregation Database.;Null variant in a gene where loss of function (LOF) is a known mechanism of disease.

NM_001378609.3(OTOGL):c.4974del (p.Trp1658fs)

Gene: OTOGL (otogelin like; plus strand). Cytogenetic location: 12q21.31.
Variant type: Deletion.
Coding change: c.4974del on transcript NM_001378609.3 (MANE Select); coding-DNA position 4974, one base deleted (G; older notation c.4974delG).
Protein change: p.Trp1658fs; shifts the reading frame from tryptophan 1658.
Molecular consequence: frameshift variant.
Genome position (GRCh38, 1-based): chr12:80,339,188, G deleted; the last of 2 consecutive G bases (chr12:80,339,187-80,339,188); deleting either gives the same sequence. VCF-style (leftmost placement, unchanged base first): chr12-80339186-TG-T. GRCh37 (hg19) VCF-style: chr12-80732966-TG-T.
Other names: c.4839del, p.Trp1613fs (NM_001368062.3); c.4974del, p.Trp1658fs (NM_001378610.3, NM_173591.7); short protein forms W1613fs, W1658fs.
Identifiers: ClinVar variation 5019111 (VCV005019111.2).
Genomic context (GRCh38, chr12:80,339,186, plus strand): 5'-TCCATAGAGGATTCTGGTTCAATGTATGTAATTACTACTCCAGCTGGACTAATCATAAAG[TG>T]GTCTCATCTTACAGGAATCATAGACATTCATTTTGGCTTCCGATTTAACTTGTCATCCTA-3'